The following is an entry in ClinVar:

NM_000302.4(PLOD1):c.450G>T (p.Arg150Ser)

Gene: PLOD1 (procollagen-lysine,2-oxoglutarate 5-dioxygenase 1; plus strand). Cytogenetic location: 1p36.22.
Variant type: single nucleotide variant.
Coding change: c.450G>T on transcript NM_000302.4 (MANE Select); coding-DNA position 450, G replaced by T.
Protein change: p.Arg150Ser; replaces arginine 150 with serine.
Molecular consequence: missense variant.
Genome position (GRCh38, 1-based): chr1:11,950,504, G>T. VCF-style: chr1-11950504-G-T. GRCh37 (hg19) VCF-style: chr1-12010561-G-T.
Other names: p.Arg150Ser; c.591G>T, p.Arg197Ser (NM_001316320.2); short protein forms R197S, R150S.
Identifiers: ClinVar variation 3420915 (VCV003420915.2).

ClinVar aggregate classification (germline): Uncertain significance. Review status: criteria provided, multiple submitters, no conflicts (2 of 4 stars). 2 submissions from 2 submitters: Uncertain significance (2). Last evaluated 2025-09-12.

Conditions:
Familial thoracic aortic aneurysm and aortic dissection (TAAD). Also called: Thoracic aortic aneurysms and dissections. Identifiers: Orphanet 91387, MedGen C4707243, MONDO:0019625.

gnomAD v4.1: 11 of 1,613,910 alleles (0.00068%); highest among the groups gnomAD compares: Non-Finnish European, 0.00085%; no homozygotes.

Submissions (2):

Mayo Clinic Laboratories, Mayo Clinic
Classification: Uncertain significance. Last evaluated: 2025-09-12. Review status: criteria provided, single submitter. Criteria: ACMG Guidelines, 2015. Collection method: clinical testing. Allele origin: germline. Observed: 1 variant allele.
Comment: PM2_supporting

Ambry Genetics
Classification: Uncertain significance for Familial thoracic aortic aneurysm and aortic dissection. Last evaluated: 2024-10-08. Review status: criteria provided, single submitter. Criteria: Ambry Variant Classification Scheme 2023. Collection method: clinical testing. Allele origin: germline.
Comment: The p.R150S variant (also known as c.450G>T), located in coding exon 4 of the PLOD1 gene, results from a G to T substitution at nucleotide position 450. The arginine at codon 150 is replaced by serine, an amino acid with dissimilar properties. This amino acid position is conserved. In addition, this alteration is predicted to be deleterious by in silico analysis. Based on the available evidence, the clinical significance of this variant remains unclear.